The following is an entry in ClinVar:

NM_001692.4(ATP6V1B1):c.517G>A (p.Val173Ile)

Gene: ATP6V1B1 (ATPase H+ transporting V1 subunit B1; plus strand). Cytogenetic location: 2p13.3.
Variant type: single nucleotide variant.
Coding change: c.517G>A on transcript NM_001692.4 (MANE Select); coding-DNA position 517, G replaced by A.
Protein change: p.Val173Ile; replaces valine 173 with isoleucine.
Molecular consequence: missense variant.
Genome position (GRCh38, 1-based): chr2:70,960,010, G>A. VCF-style: chr2-70960010-G-A. GRCh37 (hg19) VCF-style: chr2-71187140-G-A.
Other names: short protein forms V173I.
Identifiers: ClinVar variation 1187290 (VCV001187290.10), dbSNP rs146293474, ClinGen allele CA1701076.
Genomic context (GRCh38, chr2:70,960,010, plus strand): 5'-AACCCGCACTCCCGCATCTACCCCGAGGAGATGATTCAGACGGGCATTTCTCCTATTGAC[G>A]TCATGAACAGCATTGCCCGCGGCCAGAAGATCCCCATCTTCTCAGCAGCCGGGCTCCCCC-3'
Protein context (NP_001683.2, residues 163-183): MIQTGISPID[Val173Ile]MNSIARGQKI

ClinVar aggregate classification (germline): Conflicting classifications of pathogenicity. Review status: criteria provided, conflicting classifications (1 of 4 stars). 5 submissions from 5 submitters: Uncertain significance (3); Likely benign (1). 1 of the submissions does not count toward it. Last evaluated 2026-01-19.

Conditions:
Inborn genetic diseases. Identifiers: MedGen C0950123, MeSH D030342.
Renal tubular acidosis with progressive nerve deafness. Also called: renal tubular acidosis, distal, 2, with progressive sensorineural hearing loss; Distal Renal Tubular Acidosis with Progressive Sensorineural Deafness; RENAL TUBULAR ACIDOSIS, AUTOSOMAL RECESSIVE, WITH PROGRESSIVE NERVE DEAFNESS; RTA WITH PROGRESSIVE NERVE DEAFNESS. Identifiers: MedGen C0403554, MONDO:0009968, OMIM 267300.

Allele frequency attached by ClinVar (database versions not stated): gnomAD exomes 0.00003 and 0.00004; ExAC 0.00007; TOPMed 0.00013; gnomAD 0.00016 and 0.00017; ESP Exome Variant Server 0.00031; 1000 Genomes Project 30x 0.00047; 1000 Genomes Project 0.00060.
gnomAD v4.1: 69 of 1,614,160 alleles (0.0043%); highest among the groups gnomAD compares: African/African-American, 0.056%; no homozygotes.

Submissions (5):

Labcorp Genetics (formerly Invitae), Labcorp
Classification: Likely benign. Last evaluated: 2026-01-19. Review status: criteria provided, single submitter. Criteria: Invitae Variant Classification Sherloc (09022015). Collection method: clinical testing. Allele origin: germline.

Fulgent Genetics
Classification: Uncertain significance for Renal tubular acidosis with progressive nerve deafness. Last evaluated: 2024-04-30. Review status: criteria provided, single submitter. Criteria: ACMG Guidelines, 2015. Collection method: clinical testing. Allele origin: germline.

Ambry Genetics
Classification: Uncertain significance for Inborn genetic diseases. Last evaluated: 2024-01-03. Review status: criteria provided, single submitter. Criteria: Ambry Variant Classification Scheme 2023. Collection method: clinical testing. Allele origin: germline.

GeneDx
Classification: Uncertain significance. Last evaluated: 2023-09-12. Review status: criteria provided, single submitter. Criteria: GeneDx Variant Classification Process June 2021. Collection method: clinical testing. Allele origin: germline. Affected: yes.
Comment: In silico analysis supports that this missense variant does not alter protein structure/function; Has not been previously published as pathogenic or benign to our knowledge

Natera, Inc.
Classification: Uncertain significance for Renal tubular acidosis with progressive nerve deafness. Last evaluated: 2020-02-13. Review status: no assertion criteria provided. Collection method: clinical testing. Allele origin: germline. Not counted in ClinVar's aggregate classification.